The following is an entry in ClinVar:

NM_006306.4(SMC1A):c.2761del (p.Gln921fs)

Gene: SMC1A (structural maintenance of chromosomes 1A; minus strand). Cytogenetic location: Xp11.22.
Variant type: Deletion.
Coding change: c.2761del on transcript NM_006306.4 (MANE Select); coding-DNA position 2761, one base deleted (C; older notation c.2761delC).
Protein change: p.Gln921fs; shifts the reading frame from glutamine 921.
Molecular consequence: frameshift variant.
Genome position (GRCh38, 1-based): chrX:53,396,328, G deleted on the plus strand (C on the coding strand, the reverse complement: SMC1A is on the minus strand). VCF-style (leftmost placement, unchanged base first): chrX-53396327-TG-T. GRCh37 (hg19) VCF-style: chrX-53423247-TG-T.
Other names: c.2695del, p.Gln899fs (NM_001281463.1); short protein forms Q899fs, Q921fs.
Identifiers: ClinVar variation 4293917 (VCV004293917.1).
Genomic context (GRCh38, chrX:53,396,327, plus strand): 5'-GGCAACTTAATGTCCTGCATCTTACAGGCCTGTAGCAAGTTGTGACGGTCACTGCGCTTC[TG>T]TTCAAGCTTGGTCTCAATGGCTGTCACCTCCTTCTGTAAATGGGTCATTTCCCTAAAAAA-3'

ClinVar aggregate classification (germline): Likely pathogenic (1 of 4 stars; one submission).

Conditions:
Developmental and epileptic encephalopathy, 85, with or without midline brain defects. Also called: EPILEPTIC ENCEPHALOPATHY, EARLY INFANTILE, 85, WITH OR WITHOUT MIDLINE BRAIN DEFECTS. Identifiers: MedGen C5393312, MONDO:0026771, OMIM 301044.

Submission:

3billion
Classification: Likely pathogenic for Developmental and epileptic encephalopathy, 85, with or without midline brain defects. Last evaluated: 2024-10-29. Review status: criteria provided, single submitter. Criteria: ACMG Guidelines, 2015. Collection method: clinical testing. Allele origin: germline. Affected: yes.
Comment: The variant is not observed in the gnomAD v4.1.0 dataset. Predicted Consequence/Location: Frameshift: predicted to result in a loss or disruption of normal protein function through nonsense-mediated decay (NMD) or protein truncation. Multiple pathogenic variants are reported downstream of the variant. Therefore, this variant is classified as Likely pathogenic according to the recommendation of ACMG/AMP guideline.